The following is an entry in ClinVar:

ClinVar aggregate classification (germline): Likely benign (1 of 4 stars; one submission).

Conditions:
Congenital stationary night blindness 1F. Also called: Night blindness, congenital stationary (complete), 1F, autosomal recessive. Identifiers: Orphanet 215, MedGen C3554399, MONDO:0014026, OMIM 615058.

Allele frequency attached by ClinVar (database versions not stated): gnomAD below 0.00001 and 0.00005; TOPMed 0.00002; gnomAD exomes 0.00004; 1000 Genomes Project 30x 0.00062; 1000 Genomes Project 0.00080.
gnomAD v4.1: 10 of 228,086 alleles (0.0044%); highest among the groups gnomAD compares: South Asian, 0.15%; no homozygotes.

Submission:

Illumina Laboratory Services, Illumina
Classification: Likely benign for Congenital stationary night blindness 1F. Last evaluated: 2018-01-12. Review status: criteria provided, single submitter. Criteria: ICSL Variant Classification Criteria 13 December 2019. Collection method: clinical testing. Allele origin: germline.
Comment: This variant was observed in the ICSL laboratory as part of a predisposition screen in an ostensibly healthy population. It had not been previously curated by ICSL or reported in the Human Gene Mutation Database (HGMD: prior to June 1st, 2018), and was therefore a candidate for classification through an automated scoring system. Utilizing variant allele frequency, disease prevalence and penetrance estimates, and inheritance mode, an automated score was calculated to assess if this variant is too frequent to cause the disease. Based on the score and internal cut-off values, a variant classified as likely benign is not then subjected to further curation. The score for this variant resulted in a classification of likely benign for this disease.

NM_198506.5(LRIT3):c.*303G>A

Gene: LRIT3 (leucine rich repeat, Ig-like and transmembrane domains 3; plus strand). Cytogenetic location: 4q25.
Variant type: single nucleotide variant.
Coding change: c.*303G>A on transcript NM_198506.5 (MANE Select); 303 bases downstream of the stop codon, G replaced by A.
Molecular consequence: 3 prime UTR variant.
Genome position (GRCh38, 1-based): chr4:109,871,092, G>A. VCF-style: chr4-109871092-G-A. GRCh37 (hg19) VCF-style: chr4-110792248-G-A.
Identifiers: ClinVar variation 901029 (VCV000901029.4), dbSNP rs556856274, ClinGen allele CA103712959.